The following is an entry in ClinVar:

NM_001386393.1(PANK2):c.383A>G (p.Glu128Gly)

Gene: PANK2 (pantothenate kinase 2; plus strand). Cytogenetic location: 20p13.
Variant type: single nucleotide variant.
Coding change: c.383A>G on transcript NM_001386393.1 (MANE Select); coding-DNA position 383, A replaced by G.
Protein change: p.Glu128Gly; replaces glutamic acid 128 with glycine.
Molecular consequence: missense variant. On other transcripts: 5 prime UTR variant (4), non-coding transcript variant (1).
Genome position (GRCh38, 1-based): chr20:3,908,010, A>G. VCF-style: chr20-3908010-A-G. GRCh37 (hg19) VCF-style: chr20-3888657-A-G.
Other names: c.-161A>G (NM_001324191.2, NM_024960.6, NM_153640.4); c.713A>G, p.Glu238Gly (NM_001324192.1, NM_153638.4); c.-453A>G (NM_001324193.2); short protein forms E238G, E128G.
Identifiers: ClinVar variation 933476 (VCV000933476.9), dbSNP rs2090413830, ClinGen allele CA408112327.
Genomic context (GRCh38, chr20:3,908,010, plus strand): 5'-TCGGTGGAACTCTGGTCAAGCTGGTATATTTTGAACCCAAAGACATCACTGCTGAAGAAG[A>G]AGAGGAAGAAGTGGAAAGTCTTAAAAGCATTCGGAAGTACCTGACCTCCAATGTGGCTTA-3'
Protein context (NP_001373322.1, residues 118-138): FEPKDITAEE[Glu128Gly]EEEVESLKSI

ClinVar aggregate classification (germline): Uncertain significance (1 of 4 stars; one submission).

Conditions:
Pigmentary pallidal degeneration (NBIA1). Also called: Pantothenate Kinase-Associated Neurodegeneration; Neuroaxonal dystrophy, late infantile; Hallervorden-Spatz disease; HARP SYNDROME; PKAN NEUROAXONAL DYSTROPHY, JUVENILE-ONSET; Neurodegeneration with brain iron accumulation 1. Identifiers: Orphanet 157850, MedGen C0018523, MONDO:0009319, OMIM 234200.

Submission:

Labcorp Genetics (formerly Invitae), Labcorp
Classification: Uncertain significance for Pigmentary pallidal degeneration. Last evaluated: 2019-05-25. Review status: criteria provided, single submitter. Criteria: Invitae Variant Classification Sherloc (09022015). Collection method: clinical testing. Allele origin: germline.
Comment: In summary, the available evidence is currently insufficient to determine the role of this variant in disease. Therefore, it has been classified as a Variant of Uncertain Significance. Algorithms developed to predict the effect of missense changes on protein structure and function are either unavailable or do not agree on the potential impact of this missense change (SIFT: "Deleterious"; PolyPhen-2: "Possibly Damaging"; Align-GVGD: "Class C0"). This variant has not been reported in the literature in individuals with PANK2-related conditions. This variant is not present in population databases (ExAC no frequency). This sequence change replaces glutamic acid with glycine at codon 238 of the PANK2 protein (p.Glu238Gly). The glutamic acid residue is moderately conserved and there is a moderate physicochemical difference between glutamic acid and glycine.